The following is an entry in ClinVar:

ClinVar aggregate classification (germline): Likely benign. Review status: criteria provided, multiple submitters, no conflicts (2 of 4 stars). 8 submissions from 8 submitters: Likely benign (5). 3 of the submissions do not count toward it. Last evaluated 2026-08-01.

Conditions:
SON-related disorder. Also called: SON-related condition.
ZTTK syndrome (ZTTKS). Also called: Zhu-Tokita-Takenouchi-Kim Syndrome; ZTTK MULTIPLE CONGENITAL ANOMALIES-MENTAL RETARDATION SYNDROME. Identifiers: Orphanet 500150, MedGen C4310696, MONDO:0014936, OMIM 617140.

Submissions (8):

CeGaT Center for Human Genetics Tuebingen
Classification: Likely benign. Last evaluated: 2026-08-01. Review status: criteria provided, single submitter. Criteria: CeGaT Center For Human Genetics Tuebingen Variant Classification Criteria Version 2. Collection method: clinical testing. Allele origin: germline. Affected: yes. Observed: 4 variant alleles.
Comment: SON: PM4, BS1

Labcorp Genetics (formerly Invitae), Labcorp
Classification: Likely benign. Last evaluated: 2026-01-28. Review status: criteria provided, single submitter. Criteria: Invitae Variant Classification Sherloc (09022015). Collection method: clinical testing. Allele origin: germline.

Blueprint Genetics
Classification: Likely benign. Last evaluated: 2024-11-28. Review status: criteria provided, single submitter. Criteria: ACMG Guidelines, 2015. Collection method: clinical testing. Allele origin: germline.

Department of Pathology and Laboratory Medicine, Sinai Health System
Classification: Likely benign for ZTTK syndrome. Last evaluated: 2021-12-08. Review status: criteria provided, single submitter. Criteria: ACMG Guidelines, 2015. Collection method: research. Allele origin: germline.

GeneDx
Classification: Likely benign. Last evaluated: 2018-11-07. Review status: criteria provided, single submitter. Criteria: GeneDx Variant Classification Process June 2021. Collection method: clinical testing. Allele origin: germline. Affected: yes.

PreventionGenetics, part of Exact Sciences
Classification: Likely benign for SON-related condition. Last evaluated: 2020-05-15. Review status: no assertion criteria provided. Collection method: clinical testing. Allele origin: germline. Not counted in ClinVar's aggregate classification.
Comment: This variant is classified as likely benign based on ACMG/AMP sequence variant interpretation guidelines (Richards et al. 2015 PMID: 25741868, with internal and published modifications).

Diagnostic Laboratory, Department of Genetics, University Medical Center Groningen
Classification: Likely benign. Review status: no assertion criteria provided. Collection method: clinical testing. Allele origin: germline. Affected: yes. Study: VKGL Data-share Consensus. Not counted in ClinVar's aggregate classification.

Genome Diagnostics Laboratory, University Medical Center Utrecht
Classification: Likely benign. Review status: no assertion criteria provided. Collection method: clinical testing. Allele origin: germline. Affected: yes. Study: VKGL Data-share Consensus. Not counted in ClinVar's aggregate classification.

NM_138927.4(SON):c.3688_3741dup (p.Tyr1230_Thr1247dup)

Gene: SON (SON DNA and RNA binding protein; plus strand). Cytogenetic location: 21q22.11.
Variant type: Duplication.
Coding change: c.3688_3741dup on transcript NM_138927.4 (MANE Select); coding-DNA positions 3688 to 3741, 54 bases duplicated.
Protein change: p.Tyr1230_Thr1247dup.
Molecular consequence: inframe insertion. On other transcripts: non-coding transcript variant (1), intron variant (1).
Genome position (GRCh38, 1-based): chr21:33,552,919-33,552,972, 54 bases duplicated. GRCh37 (hg19): chr21:34,925,225-34,925,278.
Other names: c.3688_3741dup54 (NM_138927.2); c.3688_3741dupTATTCAGTGTCAGCATCAGATCCCTCAGTTTTAGTATCAGAGGCTGCTGTGACT (NM_032195.2); c.3688_3741dup, p.Tyr1230_Thr1247dup (NM_001291411.2, NM_032195.3); c.245-4237_245-4184dup (NM_001291412.3).
Identifiers: ClinVar variation 771052 (VCV000771052.45), dbSNP rs1569055881, ClinGen allele CA10009343.